The following is an entry in ClinVar:

NM_001267550.2(TTN):c.12482del (p.Phe4161fs)

Gene: TTN (titin; minus strand). Cytogenetic location: 2q31.2.
Variant type: Deletion.
Coding change: c.12482del on transcript NM_001267550.2 (MANE Select); coding-DNA position 12482, one base deleted (T; older notation c.12482delT).
Protein change: p.Phe4161fs; shifts the reading frame from phenylalanine 4161.
Molecular consequence: frameshift variant. On other transcripts: intron variant (1).
Genome position (GRCh38, 1-based): chr2:178,740,751, A deleted on the plus strand (T on the coding strand, the reverse complement: TTN is on the minus strand); the first of 2 consecutive A bases (chr2:178,740,751-178,740,752); deleting either gives the same sequence. VCF-style (leftmost placement, unchanged base first): chr2-178740750-GA-G. GRCh37 (hg19) VCF-style: chr2-179605477-GA-G.
Other names: c.11531del, p.Phe3844fs (NM_001256850.1); c.11393del, p.Phe3798fs (NM_003319.4); c.11768del, p.Phe3923fs (NM_133432.3); c.11969del, p.Phe3990fs (NM_133437.4); c.10361-2391del (NM_133378.4); short protein forms F3798fs, F3844fs, F3990fs, F3923fs, F4161fs.
Identifiers: ClinVar variation 2949274 (VCV002949274.3), dbSNP rs2530680007, ClinGen allele CA2740096276.

ClinVar aggregate classification (germline): Likely pathogenic (1 of 4 stars; one submission).

Conditions:
Dilated cardiomyopathy 1G (CMD1G). Identifiers: Orphanet 154, MedGen C1858763, MONDO:0011400, OMIM 604145.
Autosomal recessive limb-girdle muscular dystrophy type 2J (LGMDR10). Also called: Limb-girdle muscular dystrophy, type 2J; MUSCULAR DYSTROPHY, LIMB-GIRDLE, AUTOSOMAL RECESSIVE 10. Identifiers: Orphanet 140922, MedGen C1837342, MONDO:0012127, OMIM 608807.

Submission:

Labcorp Genetics (formerly Invitae), Labcorp
Classification: Likely pathogenic for Dilated cardiomyopathy 1G; Autosomal recessive limb-girdle muscular dystrophy type 2J. Last evaluated: 2025-04-18. Review status: criteria provided, single submitter. Criteria: Invitae Variant Classification Sherloc (09022015). Collection method: clinical testing. Allele origin: germline.
Comment: This sequence change creates a premature translational stop signal (p.Phe4161Serfs*7) in the TTN gene. While this is not anticipated to result in nonsense mediated decay, it is expected to create a truncated TTN protein. This variant is not present in population databases (gnomAD no frequency). This variant has not been reported in the literature in individuals affected with TTN-related conditions. ClinVar contains an entry for this variant (Variation ID: 2949274). This variant is located in the I band of TTN (PMID: 25589632). Truncating variants in this region have been reported in individuals affected with autosomal recessive centronuclear myopathy (PMID: 23975875, internal data). Truncating variants in this region have also been identified in individuals affected with autosomal dominant dilated cardiomyopathy and/or cardio-related conditions (PMID: 27869827, 32964742, internal data). In summary, the currently available evidence indicates that the variant is pathogenic, but additional data are needed to prove that conclusively. Therefore, this variant has been classified as Likely Pathogenic.

Literature cited by the submitters: PubMed 25589632; PubMed 23975875; PubMed 27869827; PubMed 32964742.